The following is an entry in ClinVar:

ClinVar aggregate classification (germline): Uncertain significance (1 of 4 stars; one submission).

Conditions:
Fanconi anemia (FA). Also called: Fanconi's anemia. Identifiers: Orphanet 84, MedGen C0015625, MeSH D005199, MONDO:0019391.

Allele frequency attached by ClinVar (database versions not stated): TOPMed below 0.00001; gnomAD exomes 0.00001.
gnomAD v4.1: 13 of 1,613,844 alleles (0.00081%); highest among the groups gnomAD compares: Non-Finnish European, 0.001%; no homozygotes.

Submission:

Labcorp Genetics (formerly Invitae), Labcorp
Classification: Uncertain significance for Fanconi anemia. Last evaluated: 2023-05-13. Review status: criteria provided, single submitter. Criteria: Invitae Variant Classification Sherloc (09022015). Collection method: clinical testing. Allele origin: germline.
Comment: ClinVar contains an entry for this variant (Variation ID: 1366431). In summary, the available evidence is currently insufficient to determine the role of this variant in disease. Therefore, it has been classified as a Variant of Uncertain Significance. Algorithms developed to predict the effect of missense changes on protein structure and function output the following: SIFT: "Not Available"; PolyPhen-2: "Benign"; Align-GVGD: "Not Available". The threonine amino acid residue is found in multiple mammalian species, which suggests that this missense change does not adversely affect protein function. This variant has not been reported in the literature in individuals affected with FANCM-related conditions. This variant is present in population databases (no rsID available, gnomAD 0.002%). This sequence change replaces alanine, which is neutral and non-polar, with threonine, which is neutral and polar, at codon 988 of the FANCM protein (p.Ala988Thr).

NM_020937.4(FANCM):c.2962G>A (p.Ala988Thr)

Gene: FANCM (FA complementation group M; plus strand). Cytogenetic location: 14q21.2.
Variant type: single nucleotide variant.
Coding change: c.2962G>A on transcript NM_020937.4 (MANE Select); coding-DNA position 2962, G replaced by A.
Protein change: p.Ala988Thr; replaces alanine 988 with threonine.
Molecular consequence: missense variant.
Genome position (GRCh38, 1-based): chr14:45,175,716, G>A. VCF-style: chr14-45175716-G-A. GRCh37 (hg19) VCF-style: chr14-45644919-G-A.
Other names: c.2884G>A, p.Ala962Thr (NM_001308133.2); short protein forms A962T, A988T.
Identifiers: ClinVar variation 1366431 (VCV001366431.6), dbSNP rs1454000944, ClinGen allele CA389599567.